The following is an entry in ClinVar:

ClinVar aggregate classification (germline): Uncertain significance (1 of 4 stars; one submission).

Conditions:
NR5A1-related disorder. Also called: NR5A1-related condition.

gnomAD v4.1: 1 of 1,611,588 alleles (0.000062%); highest among the groups gnomAD compares: Non-Finnish European, 0.000085%; no homozygotes.

Submission:

PreventionGenetics, part of Exact Sciences
Classification: Uncertain significance for NR5A1-related condition. Last evaluated: 2026-01-21. Review status: criteria provided, single submitter. Criteria: ACMG Guidelines, 2015. Collection method: clinical testing. Allele origin: germline.
Comment: The NR5A1 c.86C>A variant is predicted to result in the amino acid substitution p.Thr29Lys. This variant was reported heterozygous in an individual with 46,XY disorder of sex development who was also homozygous for AR p.L295P and heterozygous for MYH6 p.A1411T (Wang et al. 2018. PubMed ID: 29582157). Functional studies in HEK293T cells showed that the p.Thr29Lys variant results in decreased transcription activity and abnormal nuclear localization (Wang et al. 2018. PubMed ID: 29582157). Alternate missense changes at the same amino acid position (p.Thr29Met and p.Thr29Arg) have been reported in 46,XY patients with hypospadias and disorders of sex development, and in 46,XX patients with primary ovarian insufficiency (Song et al. 2018. PubMed ID: 30425642; Philibert et al. 2011. PubMed ID: 21691958; Domenice et al. 2016. PubMed ID: 28033660; Bertrand-Delepine et al. 2019. PubMed ID: 31831369). This variant has not been reported in a large population database (gnomAD), indicating this variant is rare. Although we suspect that this variant may be pathogenic, at this time, the clinical significance of this variant is uncertain due to the absence of conclusive functional and genetic evidence.

NM_004959.5(NR5A1):c.86C>A (p.Thr29Lys)

Gene: NR5A1 (nuclear receptor subfamily 5 group A member 1; minus strand). Cytogenetic location: 9q33.3.
Variant type: single nucleotide variant.
Coding change: c.86C>A on transcript NM_004959.5 (MANE Select); coding-DNA position 86, C replaced by A.
Protein change: p.Thr29Lys; replaces threonine 29 with lysine.
Molecular consequence: missense variant.
Genome position (GRCh38, 1-based): chr9:124,503,310, G>T on the plus strand (C>A on the coding strand, the complement: NR5A1 is on the minus strand). VCF-style: chr9-124503310-G-T. GRCh37 (hg19) VCF-style: chr9-127265589-G-T.
Other names: short protein forms T29K.
Identifiers: ClinVar variation 4995840 (VCV004995840.1).